The following is an entry in ClinVar:

ClinVar aggregate classification (germline): Uncertain significance (1 of 4 stars; one submission).

Submission:

GeneDx
Classification: Uncertain significance. Last evaluated: 2024-11-04. Review status: criteria provided, single submitter. Criteria: GeneDx Variant Classification Process June 2021. Collection method: clinical testing. Allele origin: germline. Affected: yes.
Comment: Not observed at significant frequency in large population cohorts (gnomAD); In silico analysis indicates that this missense variant does not alter protein structure/function; Has not been previously published as pathogenic or benign to our knowledge

NM_147191.1(MMP21):c.1198A>G (p.Ile400Val)

Gene: MMP21 (matrix metallopeptidase 21; minus strand). Cytogenetic location: 10q26.2.
Variant type: single nucleotide variant.
Coding change: c.1198A>G on transcript NM_147191.1 (MANE Select); coding-DNA position 1198, A replaced by G.
Protein change: p.Ile400Val; replaces isoleucine 400 with valine.
Molecular consequence: missense variant.
Genome position (GRCh38, 1-based): chr10:125,770,373, T>C on the plus strand (A>G on the coding strand, the complement: MMP21 is on the minus strand). VCF-style: chr10-125770373-T-C. GRCh37 (hg19) VCF-style: chr10-127458942-T-C.
Other names: short protein forms I400V.
Identifiers: ClinVar variation 3898916 (VCV003898916.1).
Genomic context (GRCh38, chr10:125,770,373, plus strand): 5'-CCATCCATGAAGAATCTGTACCTTGAAAAAAATAACGTTCATCTCTTTTCCATGTCCAGA[T>C]GTGAACAAAGGCATCTATGTTGTGTGTTGGGATTCCAGGCCAGCCAGTGAGGATTTGGAT-3'
Protein context (NP_671724.1, residues 390-410): PTHNIDAFVH[Ile400Val]WTWKRDERYF